The following is an entry in ClinVar:

ClinVar aggregate classification (germline): Uncertain significance. Review status: criteria provided, multiple submitters, no conflicts (2 of 4 stars). 3 submissions from 3 submitters: Uncertain significance (3). Last evaluated 2023-11-21.

Conditions:
Hereditary cancer-predisposing syndrome. Also called: Tumor predisposition; Hereditary Cancer Syndrome; Neoplastic Syndromes, Hereditary; Hereditary neoplastic syndrome. Identifiers: Orphanet 140162, MedGen C0027672, MeSH D009386, MONDO:0015356.
Aplastic anemia. Identifiers: Orphanet 182040, Orphanet 88, MedGen C0002874, MONDO:0015909, OMIM 609135, HP:0001915.
Microcephaly, normal intelligence and immunodeficiency (NBS). Also called: SEEMANOVA SYNDROME II; IMMUNODEFICIENCY, MICROCEPHALY, AND CHROMOSOMAL INSTABILITY; Ataxia telangiectasia variant V1; BERLIN BREAKAGE SYNDROME; Nijmegen breakage syndrome; Microcephaly with normal intelligence immunodeficiency and lymphoreticular malignancies. Identifiers: Orphanet 647, MedGen C0398791, MONDO:0009623, OMIM 251260.

Submissions (3):

Baylor Genetics
Classification: Uncertain significance for Aplastic anemia. Last evaluated: 2023-11-21. Review status: criteria provided, single submitter. Criteria: ACMG Guidelines, 2015. Collection method: clinical testing. Allele origin: unknown.

Ambry Genetics
Classification: Uncertain significance for Hereditary cancer-predisposing syndrome. Last evaluated: 2022-10-15. Review status: criteria provided, single submitter. Criteria: Ambry Variant Classification Scheme 2023. Collection method: clinical testing. Allele origin: germline.
Comment: The p.E726G variant (also known as c.2177A>G), located in coding exon 14 of the NBN gene, results from an A to G substitution at nucleotide position 2177. The glutamic acid at codon 726 is replaced by glycine, an amino acid with similar properties. This amino acid position is conserved. In addition, the in silico prediction for this alteration is inconclusive. Since supporting evidence is limited at this time, the clinical significance of this alteration remains unclear.

Labcorp Genetics (formerly Invitae), Labcorp
Classification: Uncertain significance for Microcephaly, normal intelligence and immunodeficiency. Last evaluated: 2021-09-01. Review status: criteria provided, single submitter. Criteria: Invitae Variant Classification Sherloc (09022015). Collection method: clinical testing. Allele origin: germline.
Comment: This sequence change replaces glutamic acid with glycine at codon 726 of the NBN protein (p.Glu726Gly). The glutamic acid residue is moderately conserved and there is a moderate physicochemical difference between glutamic acid and glycine. This variant is not present in population databases (ExAC no frequency). This variant has not been reported in the literature in individuals affected with NBN-related conditions. Algorithms developed to predict the effect of missense changes on protein structure and function are either unavailable or do not agree on the potential impact of this missense change (SIFT: "Tolerated"; PolyPhen-2: "Probably Damaging"; Align-GVGD: "Class C0"). In summary, the available evidence is currently insufficient to determine the role of this variant in disease. Therefore, it has been classified as a Variant of Uncertain Significance.

NM_002485.5(NBN):c.2177A>G (p.Glu726Gly)

Gene: NBN (nibrin; minus strand). Cytogenetic location: 8q21.3.
Variant type: single nucleotide variant.
Coding change: c.2177A>G on transcript NM_002485.5 (MANE Select); coding-DNA position 2177, A replaced by G.
Protein change: p.Glu726Gly; replaces glutamic acid 726 with glycine.
Molecular consequence: missense variant.
Genome position (GRCh38, 1-based): chr8:89,943,260, T>C on the plus strand (A>G on the coding strand, the complement: NBN is on the minus strand). VCF-style: chr8-89943260-T-C. GRCh37 (hg19) VCF-style: chr8-90955488-T-C.
Other names: c.1931A>G, p.Glu644Gly (NM_001024688.3); short protein forms E644G, E726G.
Identifiers: ClinVar variation 1016351 (VCV001016351.9), dbSNP rs1554555736, ClinGen allele CA371675285.